The following is an entry in ClinVar:

NM_001291303.3(FAT4):c.14807T>C (p.Leu4936Ser)

Gene: FAT4 (FAT atypical cadherin 4; plus strand). Cytogenetic location: 4q28.1.
Variant type: single nucleotide variant.
Coding change: c.14807T>C on transcript NM_001291303.3 (MANE Select); coding-DNA position 14807, T replaced by C.
Protein change: p.Leu4936Ser; replaces leucine 4936 with serine.
Molecular consequence: missense variant.
Genome position (GRCh38, 1-based): chr4:125,491,623, T>C. VCF-style: chr4-125491623-T-C. GRCh37 (hg19) VCF-style: chr4-126412778-T-C.
Other names: c.14804T>C, p.Leu4935Ser (NM_001291285.3); c.14801T>C, p.Leu4934Ser (NM_024582.6); short protein forms L4934S, L4936S, L4935S.
Identifiers: ClinVar variation 1356181 (VCV001356181.8), dbSNP rs373636090, ClinGen allele CA358143718.
Genomic context (GRCh38, chr4:125,491,623, plus strand): 5'-ACAACACACTGCCCATGAAGCTAGGGCAGCAAGCAGGGACTTTCAACTGGGACAACCTTT[T>C]GAACTGGGGCCCTGGCTTTGGCCATTATGTAGATGTTTTTAAAGATTTGGCATCTCTTCC-3'
Protein context (NP_001278232.1, residues 4926-4946): QAGTFNWDNL[Leu4936Ser]NWGPGFGHYV

ClinVar aggregate classification (germline): Uncertain significance (1 of 4 stars; one submission).

Submission:

Labcorp Genetics (formerly Invitae), Labcorp
Classification: Uncertain significance. Last evaluated: 2021-05-25. Review status: criteria provided, single submitter. Criteria: Invitae Variant Classification Sherloc (09022015). Collection method: clinical testing. Allele origin: germline.
Comment: This variant has not been reported in the literature in individuals with FAT4-related conditions. This variant is not present in population databases (ExAC no frequency). This sequence change replaces leucine with serine at codon 4934 of the FAT4 protein (p.Leu4934Ser). The leucine residue is highly conserved and there is a large physicochemical difference between leucine and serine. In summary, the available evidence is currently insufficient to determine the role of this variant in disease. Therefore, it has been classified as a Variant of Uncertain Significance. Algorithms developed to predict the effect of missense changes on protein structure and function (SIFT, PolyPhen-2, Align-GVGD) all suggest that this variant is likely to be disruptive, but these predictions have not been confirmed by published functional studies and their clinical significance is uncertain.